The following is an entry in ClinVar:

ClinVar aggregate classification (germline): Uncertain significance (1 of 4 stars; one submission).

gnomAD v4.1: 2 of 1,614,024 alleles (0.00012%); highest among the groups gnomAD compares: African/African-American, 0.0013%; no homozygotes.

Submission:

GeneDx
Classification: Uncertain significance. Last evaluated: 2025-08-08. Review status: criteria provided, single submitter. Criteria: GeneDx Variant Classification Process June 2021. Collection method: clinical testing. Allele origin: germline. Affected: yes.
Comment: Not observed at significant frequency in large population cohorts (gnomAD); In silico analysis supports that this missense variant has a deleterious effect on protein structure/function; Has not been previously published as pathogenic or benign to our knowledge

NM_000355.4(TCN2):c.436C>T (p.His146Tyr)

Gene: TCN2 (transcobalamin 2; plus strand). Cytogenetic location: 22q12.2.
Variant type: single nucleotide variant.
Coding change: c.436C>T on transcript NM_000355.4 (MANE Select); coding-DNA position 436, C replaced by T.
Protein change: p.His146Tyr; replaces histidine 146 with tyrosine.
Molecular consequence: missense variant.
Genome position (GRCh38, 1-based): chr22:30,614,357, C>T. VCF-style: chr22-30614357-C-T. GRCh37 (hg19) VCF-style: chr22-31010344-C-T.
Other names: c.355C>T, p.His119Tyr (NM_001184726.2); short protein forms H119Y, H146Y.
Identifiers: ClinVar variation 4756005 (VCV004756005.1).